The following is an entry in ClinVar:

ClinVar aggregate classification (germline): Likely pathogenic (1 of 4 stars; one submission).

Conditions:
Osteogenesis imperfecta, perinatal lethal (OI2). Also called: Osteogenesis imperfecta type 2; Osteogenesis imperfecta, dominant perinatal lethal; OSTEOGENESIS IMPERFECTA, TYPE II; OI, TYPE II; OSTEOGENESIS IMPERFECTA CONGENITA; VROLIK TYPE OF OSTEOGENESIS IMPERFECTA. Identifiers: Orphanet 216804, MedGen C0268358, MONDO:0008147, OMIM 166210.

Submission:

Johns Hopkins Genomics, Johns Hopkins University
Classification: Likely pathogenic for Osteogenesis imperfecta, perinatal lethal. Last evaluated: 2020-10-17. Review status: criteria provided, single submitter. Criteria: ACMG Guidelines, 2015. Collection method: clinical testing. Allele origin: germline.
Comment: This COL1A1 variant is absent in a large population dataset and has not been reported previously in the literature to our knowledge. Three bioinformatics tools predict this variant would be damaging. This variant disrupts a strongly conserved glycine residue in the canonical G-X-Y repeats of the triple helix domain, which are required for stability and structure of the protein. Missense variants in nearby glycine residues have been reported in individuals with osteogenesis imperfecta supporting their functional significance. This variant is not predicted to affect normal exon 16 splicing, although this has not been confirmed experimentally to our knowledge. We consider c.1004G>A to be likely pathogenic.

Literature cited by the submitters: PubMed 20301472; PubMed 21239989; PubMed 31349857.

NM_000088.4(COL1A1):c.1004G>A (p.Gly335Asp)

Gene: COL1A1 (collagen type I alpha 1 chain; minus strand). Cytogenetic location: 17q21.33.
Variant type: single nucleotide variant.
Coding change: c.1004G>A on transcript NM_000088.4 (MANE Select); coding-DNA position 1004, G replaced by A.
Protein change: p.Gly335Asp; replaces glycine 335 with aspartic acid.
Molecular consequence: missense variant.
Genome position (GRCh38, 1-based): chr17:50,195,975, C>T on the plus strand (G>A on the coding strand, the complement: COL1A1 is on the minus strand). VCF-style: chr17-50195975-C-T. GRCh37 (hg19) VCF-style: chr17-48273336-C-T.
Other names: short protein forms G335D.
Identifiers: ClinVar variation 983519 (VCV000983519.1), dbSNP rs1907549643, ClinGen allele CA400221096.